The following is an entry in ClinVar:

ClinVar aggregate classification (germline): Uncertain significance (1 of 4 stars; one submission).

Conditions:
Hereditary cancer-predisposing syndrome. Also called: Tumor predisposition; Hereditary neoplastic syndrome; Neoplastic Syndromes, Hereditary; Hereditary Cancer Syndrome. Identifiers: Orphanet 140162, MedGen C0027672, MeSH D009386, MONDO:0015356.

Submission:

Ambry Genetics
Classification: Uncertain significance for Hereditary cancer-predisposing syndrome. Last evaluated: 2025-03-24. Review status: criteria provided, single submitter. Criteria: Ambry Variant Classification Scheme 2023. Collection method: clinical testing. Allele origin: germline.
Comment: The c.1932_1934dupGAC variant (also known as p.T645dup), located in coding exon 13 of the CTNNA1 gene, results from an in-frame duplication of GAC at nucleotide positions 1932 to 1934. This results in the duplication of an extra residue between codons 645 and 646. This amino acid position is highly conserved in available vertebrate species. Based on the available evidence, the clinical significance of this variant remains unclear.

NM_001903.5(CTNNA1):c.1932_1934dup (p.Thr645_Glu646insThr)

Gene: CTNNA1 (catenin alpha 1; plus strand). Cytogenetic location: 5q31.2.
Variant type: Duplication.
Coding change: c.1932_1934dup on transcript NM_001903.5 (MANE Select); coding-DNA positions 1932 to 1934, 3 bases duplicated (GAC; older notation c.1932_1934dupGAC).
Protein change: p.Thr645_Glu646insThr.
Genome position (GRCh38, 1-based): chr5:138,929,278-138,929,280, GAC duplicated. VCF-style (leftmost placement, unchanged base first): chr5-138929277-A-AGAC. GRCh37 (hg19) VCF-style: chr5-138264966-A-AGAC.
Other names: c.822_824dup, p.Thr275_Glu276insThr (NM_001324001.1, NM_001324002.1, NM_001324003.1 and 17 more transcripts); c.483_485dup, p.Thr162_Glu163insThr (NM_001324006.1, NM_001324007.1, NM_001324008.1 and 2 more transcripts); c.1932_1934dup, p.Thr645_Glu646insThr (NM_001290307.3, NM_001323982.2, NM_001323983.1 and 2 more transcripts); c.1623_1625dup, p.Thr542_Glu543insThr (NM_001290309.3); c.1563_1565dup, p.Thr522_Glu523insThr (NM_001290310.3); c.1839_1841dup, p.Thr614_Glu615insThr (NM_001323986.2); c.729_731dup, p.Thr244_Glu245insThr (NM_001324011.1); c.579_581dup, p.Thr194_Glu195insThr (NM_001324012.1, NM_001324013.1).
Identifiers: ClinVar variation 4007961 (VCV004007961.1).